The following is an entry in ClinVar:

NM_000465.4(BARD1):c.2273C>A (p.Ala758Asp)

Gene: BARD1 (BRCA1 associated RING domain 1; minus strand). Cytogenetic location: 2q35.
Variant type: single nucleotide variant.
Coding change: c.2273C>A on transcript NM_000465.4 (MANE Select); coding-DNA position 2273, C replaced by A.
Protein change: p.Ala758Asp; replaces alanine 758 with aspartic acid.
Molecular consequence: missense variant. On other transcripts: non-coding transcript variant (3).
Genome position (GRCh38, 1-based): chr2:214,728,737, G>T on the plus strand (C>A on the coding strand, the complement: BARD1 is on the minus strand). VCF-style: chr2-214728737-G-T. GRCh37 (hg19) VCF-style: chr2-215593461-G-T.
Other names: c.2216C>A, p.Ala739Asp (NM_001282543.2); c.920C>A, p.Ala307Asp (NM_001282545.2); c.863C>A, p.Ala288Asp (NM_001282548.2); c.734C>A, p.Ala245Asp (NM_001282549.2); short protein forms A288D, A307D, A739D, A245D, A758D.
Identifiers: ClinVar variation 652706 (VCV000652706.7), dbSNP rs1574701935, ClinGen allele CA350449945.

ClinVar aggregate classification (germline): Uncertain significance (1 of 4 stars; one submission).

Conditions:
Familial cancer of breast. Also called: hereditary breast carcinoma; BREAST CANCER, FAMILIAL; Hereditary breast cancer. Identifiers: Orphanet 227535, MedGen C0346153, MONDO:0016419, OMIM 114480. Disease mechanism: loss of function.

Submission:

Labcorp Genetics (formerly Invitae), Labcorp
Classification: Uncertain significance for Familial cancer of breast. Last evaluated: 2021-11-25. Review status: criteria provided, single submitter. Criteria: Invitae Variant Classification Sherloc (09022015). Collection method: clinical testing. Allele origin: germline.
Comment: This sequence change replaces alanine, which is neutral and non-polar, with aspartic acid, which is acidic and polar, at codon 758 of the BARD1 protein (p.Ala758Asp). This variant is not present in population databases (gnomAD no frequency). This variant has not been reported in the literature in individuals affected with BARD1-related conditions. ClinVar contains an entry for this variant (Variation ID: 652706). Algorithms developed to predict the effect of missense changes on protein structure and function (SIFT, PolyPhen-2, Align-GVGD) all suggest that this variant is likely to be disruptive. In summary, the available evidence is currently insufficient to determine the role of this variant in disease. Therefore, it has been classified as a Variant of Uncertain Significance.